The following is an entry in ClinVar:

ClinVar aggregate classification (germline): Uncertain significance (1 of 4 stars; one submission).

Allele frequency attached by ClinVar (database versions not stated): ExAC 0.00002.
gnomAD v4.1: 10 of 1,613,626 alleles (0.00062%); highest among the groups gnomAD compares: South Asian, 0.0033%; no homozygotes.

Submission:

Labcorp Genetics (formerly Invitae), Labcorp
Classification: Uncertain significance. Last evaluated: 2023-12-05. Review status: criteria provided, single submitter. Criteria: Invitae Variant Classification Sherloc (09022015). Collection method: clinical testing. Allele origin: germline.
Comment: This sequence change replaces arginine, which is basic and polar, with glutamine, which is neutral and polar, at codon 244 of the TNNI3K protein (p.Arg244Gln). This variant is present in population databases (rs779542189, gnomAD 0.007%). This variant has not been reported in the literature in individuals affected with TNNI3K-related conditions. ClinVar contains an entry for this variant (Variation ID: 1512887). Advanced modeling of protein sequence and biophysical properties (such as structural, functional, and spatial information, amino acid conservation, physicochemical variation, residue mobility, and thermodynamic stability) performed at Invitae indicates that this missense variant is not expected to disrupt TNNI3K protein function with a negative predictive value of 80%. In summary, the available evidence is currently insufficient to determine the role of this variant in disease. Therefore, it has been classified as a Variant of Uncertain Significance.

NM_015978.3(TNNI3K):c.731G>A (p.Arg244Gln)

Genes: FPGT-TNNI3K (FPGT-TNNI3K readthrough; plus strand), TNNI3K (TNNI3 interacting kinase; plus strand). Cytogenetic location: 1p31.1.
Variant type: single nucleotide variant.
Coding change: c.731G>A on transcript NM_015978.3 (MANE Select); coding-DNA position 731, G replaced by A.
Protein change: p.Arg244Gln; replaces arginine 244 with glutamine.
Molecular consequence: missense variant.
Genome position (GRCh38, 1-based): chr1:74,342,890, G>A. VCF-style: chr1-74342890-G-A. GRCh37 (hg19) VCF-style: chr1-74808574-G-A.
Other names: c.1034G>A, p.Arg345Gln (NM_001112808.3, NM_001199327.2); short protein forms R345Q, R244Q.
Identifiers: ClinVar variation 1512887 (VCV001512887.6), dbSNP rs779542189, ClinGen allele CA908997.